The following is an entry in ClinVar:

ClinVar aggregate classification (germline): Uncertain significance. Review status: criteria provided, multiple submitters, no conflicts (2 of 4 stars). 2 submissions from 2 submitters: Uncertain significance (2). Last evaluated 2022-06-03.

Conditions:
Tuberous sclerosis 2 (TSC2). Identifiers: Orphanet 805, MedGen C1860707, MONDO:0013199, OMIM 613254.
Hereditary cancer-predisposing syndrome. Also called: Tumor predisposition; Hereditary neoplastic syndrome; Neoplastic Syndromes, Hereditary; Hereditary Cancer Syndrome. Identifiers: Orphanet 140162, MedGen C0027672, MeSH D009386, MONDO:0015356.

gnomAD v4.1: 1 of 1,614,018 alleles (0.000062%); highest among the groups gnomAD compares: Non-Finnish European, 0.000085%; no homozygotes.

Submissions (2):

Ambry Genetics
Classification: Uncertain significance for Hereditary cancer-predisposing syndrome. Last evaluated: 2022-06-03. Review status: criteria provided, single submitter. Criteria: Ambry Variant Classification Scheme 2023. Collection method: clinical testing. Allele origin: germline.
Comment: The c.648+5G>A intronic variant results from a G to A substitution 5 nucleotides after coding exon 6 in the TSC2 gene. This nucleotide position is highly conserved in available vertebrate species. In silico splice site analysis predicts that this alteration may weaken the native splice donor site. RNA studies have demonstrated that this alteration results in a splice defect; the clinical impact of this abnormal splicing is unknown at this time (Ambry internal data). Since supporting evidence is limited at this time, the clinical significance of this alteration remains unclear.

Labcorp Genetics (formerly Invitae), Labcorp
Classification: Uncertain significance for Tuberous sclerosis 2. Last evaluated: 2021-09-18. Review status: criteria provided, single submitter. Criteria: Invitae Variant Classification Sherloc (09022015). Collection method: clinical testing. Allele origin: germline.
Comment: In summary, the available evidence is currently insufficient to determine the role of this variant in disease. Therefore, it has been classified as a Variant of Uncertain Significance. Variants that disrupt the consensus splice site are a relatively common cause of aberrant splicing (PMID: 17576681, 9536098). Algorithms developed to predict the effect of sequence changes on RNA splicing suggest that this variant may disrupt the consensus splice site. This variant has not been reported in the literature in individuals affected with TSC2-related conditions. This variant is not present in population databases (ExAC no frequency). This sequence change falls in intron 7 of the TSC2 gene. It does not directly change the encoded amino acid sequence of the TSC2 protein. It affects a nucleotide within the consensus splice site of the intron.

Literature cited by the submitters: PubMed 17576681 (cited by Labcorp Genetics (formerly Invitae), Labcorp); PubMed 9536098 (cited by Labcorp Genetics (formerly Invitae), Labcorp).

NM_000548.5(TSC2):c.648+5G>A

Gene: TSC2 (TSC complex subunit 2; plus strand). Cytogenetic location: 16p13.3.
Variant type: single nucleotide variant.
Coding change: c.648+5G>A on transcript NM_000548.5 (MANE Select); 5 bases into the intron after coding-DNA position 648, G replaced by A.
Molecular consequence: intron variant.
Genome position (GRCh38, 1-based): chr16:2,056,249, G>A. VCF-style: chr16-2056249-G-A. GRCh37 (hg19) VCF-style: chr16-2106250-G-A.
Other names: c.648+5G>A (NM_001114382.3, NM_021055.3, NM_001370405.1 and 3 more transcripts); c.537+5G>A (NM_001318827.2); c.48+5G>A (NM_001318831.2); c.501+5G>A (NM_001318829.2); c.681+5G>A (NM_001318832.2).
Identifiers: ClinVar variation 1520074 (VCV001520074.8), dbSNP rs2085796888, ClinGen allele CA2573151812.